The following is an entry in ClinVar:

ClinVar aggregate classification (germline): Pathogenic/Likely pathogenic. Review status: criteria provided, multiple submitters, no conflicts (2 of 4 stars). 5 submissions from 5 submitters: Pathogenic (2); Likely pathogenic (3). Last evaluated 2025-04-02.

Conditions:
Retinitis pigmentosa 3. Also called: CHOROIDORETINAL DEGENERATION WITH RETINAL REFLEX IN HETEROZYGOUS WOMEN. Identifiers: Orphanet 791, MedGen C1845667, MONDO:0010227, OMIM 300029.
RPGR-related disorder. Also called: RPGR-related condition.
Retinitis pigmentosa, X-linked, and sinorespiratory infections, with or without deafness (RPSRDF). Identifiers: Orphanet 247522, MedGen C2749137, OMIM 300455.
Macular degeneration, X-linked atrophic. Identifiers: Orphanet 1872, MedGen C3151784, MONDO:0010443, OMIM 300834.
X-linked cone-rod dystrophy 1 (CORDX1). Identifiers: Orphanet 1872, MedGen C1844776, MONDO:0010566, OMIM 304020.
Primary ciliary dyskinesia. Also called: Ciliary dyskinesia. Identifiers: Orphanet 244, MedGen C0008780, MONDO:0016575, HP:0012265.

Submissions (5):

Institute of Medical Genetics and Applied Genomics, University Hospital Tübingen
Classification: Pathogenic for Retinitis pigmentosa 3. Last evaluated: 2025-04-02. Review status: criteria provided, single submitter. Criteria: ACMG Guidelines, 2015. Collection method: clinical testing. Allele origin: germline. Inheritance: X-linked recessive inheritance. Affected: yes.

Labcorp Genetics (formerly Invitae), Labcorp
Classification: Pathogenic for Primary ciliary dyskinesia. Last evaluated: 2023-02-08. Review status: criteria provided, single submitter. Criteria: Invitae Variant Classification Sherloc (09022015). Collection method: clinical testing. Allele origin: germline.
Comment: For these reasons, this variant has been classified as Pathogenic. This variant disrupts a region of the RPGR (ORF15) protein in which other variant(s) (p.Leu1130Lysfs*13) have been determined to be pathogenic (PMID: 22264887; Invitae). This suggests that this is a clinically significant region of the protein, and that variants that disrupt it are likely to be disease-causing. ClinVar contains an entry for this variant (Variation ID: 975124). This variant has not been reported in the literature in individuals affected with RPGR (ORF15)-related conditions. This variant is not present in population databases (gnomAD no frequency). This sequence change creates a premature translational stop signal (p.Glu991Lysfs*98) in the RPGR (ORF15) gene. While this is not anticipated to result in nonsense mediated decay, it is expected to disrupt the last 162 amino acid(s) of the RPGR (ORF15) protein.

Blueprint Genetics
Classification: Likely pathogenic for RPGR-related disorders. Last evaluated: 2019-09-19. Review status: criteria provided, single submitter. Criteria: ACMG Guidelines, 2015. Collection method: clinical testing. Allele origin: germline. Affected: yes. Observed: 2 variant alleles.

PreventionGenetics, part of Exact Sciences
Classification: Likely pathogenic. Last evaluated: 2018-02-16. Review status: criteria provided, single submitter. Criteria: ACMG Guidelines, 2015. Collection method: clinical testing. Allele origin: germline.

Juno Genomics, Hangzhou Juno Genomics, Inc
Classification: Likely pathogenic for X-linked cone-rod dystrophy 1; Macular degeneration, X-linked atrophic; Retinitis pigmentosa 3; Retinitis pigmentosa, X-linked, and sinorespiratory infections, with or without deafness. Review status: criteria provided, single submitter. Criteria: ACMG Guidelines, 2015. Collection method: clinical testing. Allele origin: germline.
Comment: Absent from controls (or at extremely low frequency if recessive) in Genome Aggregation Database.;Null variant in a gene where loss of function (LOF) is a known mechanism of disease.;Patient's phenotype or family history is highly specific for a disease with a single genetic etiology.

Literature cited by the submitters: PubMed 22264887 (cited by Labcorp Genetics (formerly Invitae), Labcorp).

NM_001034853.2(RPGR):c.2971del (p.Glu991fs)

Gene: RPGR (retinitis pigmentosa GTPase regulator; minus strand). Cytogenetic location: Xp11.4.
Variant type: Deletion.
Coding change: c.2971del on transcript NM_001034853.2 (MANE Select); coding-DNA position 2971, one base deleted (G; older notation c.2971delG).
Protein change: p.Glu991fs; shifts the reading frame from glutamic acid 991.
Molecular consequence: frameshift variant. On other transcripts: intron variant (8).
Genome position (GRCh38, 1-based): chrX:38,286,028, C deleted on the plus strand (G on the coding strand, the reverse complement: RPGR is on the minus strand); the first of 5 consecutive C bases (chrX:38,286,028-38,286,032); deleting any one gives the same sequence. VCF-style (leftmost placement, unchanged base first): chrX-38286027-TC-T. GRCh37 (hg19) VCF-style: chrX-38145280-TC-T.
Other names: c.1569+4931del (NM_001367249.1, NM_001367250.1); c.1902+1066del (NM_001367245.1); c.1386+4931del (NM_001367251.1); c.1719+1066del (NM_001367246.1); c.1572+4931del (NM_001367247.1); c.1905+1066del (NM_000328.3); c.1602+4931del (NM_001367248.1); short protein forms E991fs.
Identifiers: ClinVar variation 975124 (VCV000975124.12), dbSNP rs2067134254, ClinGen allele CA1139667405.